The following is an entry in ClinVar:

NM_000520.6(HEXA):c.1026del (p.Gly343fs)

Gene: HEXA (hexosaminidase subunit alpha; minus strand). Cytogenetic location: 15q23.
Variant type: Deletion.
Coding change: c.1026del on transcript NM_000520.6 (MANE Select); coding-DNA position 1026, one base deleted (A; older notation c.1026delA).
Protein change: p.Gly343fs; shifts the reading frame from glycine 343.
Molecular consequence: frameshift variant. On other transcripts: non-coding transcript variant (1).
Genome position (GRCh38, 1-based): chr15:72,348,095, T deleted on the plus strand (A on the coding strand, the reverse complement: HEXA is on the minus strand); the first of 3 consecutive T bases (chr15:72,348,095-72,348,097); deleting any one gives the same sequence. VCF-style (leftmost placement, unchanged base first): chr15-72348094-CT-C. GRCh37 (hg19) VCF-style: chr15-72640435-CT-C.
Other names: c.1059del, p.Gly354fs (NM_001318825.2); short protein forms G343fs, G354fs.
Identifiers: ClinVar variation 4818708 (VCV004818708.1).

ClinVar aggregate classification (germline): Likely pathogenic (1 of 4 stars; one submission).

Conditions:
Tay-Sachs disease (TSD). Also called: HEXA DEFICIENCY; HEXA Disorders; GM2 gangliosidosis, type 1; Hexosaminidase alpha-subunit deficiency (variant B); Sphingolipidosis, Tay-Sachs; Hexosaminidase A Deficiency. Identifiers: Orphanet 845, MedGen C0039373, MONDO:0010100, OMIM 272800.

Submission:

Natera, Inc.
Classification: Likely pathogenic for Tay-Sachs disease. Last evaluated: 2025-05-27. Review status: criteria provided, single submitter. Criteria: Natera Variant Classification Schema (03/2026). Collection method: clinical testing. Allele origin: germline.
Comment: The c.1026delA variant in HEXA is a frameshift variant predicted to shift the reading frame beginning at codon 343 and leads to a stop codon 39 codons downstream. This variant is expected to result in nonsense mediated decay, truncation, or a dysfunctional protein product. This variant is rare in the general population with a frequency below the threshold expected for the associated phenotype(s). Given the available evidence, this variant is classified as Likely Pathogenic.